The following is an entry in ClinVar:

ClinVar aggregate classification (germline): Uncertain significance. Review status: criteria provided, multiple submitters, no conflicts (2 of 4 stars). 2 submissions from 2 submitters: Uncertain significance (2). Last evaluated 2025-04-05.

Conditions:
Spondylocostal dysostosis 3, autosomal recessive (SCDO3). Also called: LFNG-Related Spondylocostal Dysostosis, Autosomal Recessive. Identifiers: Orphanet 2311, MedGen C1853296, MONDO:0012349, OMIM 609813.
Inborn genetic diseases. Identifiers: MedGen C0950123, MeSH D030342.

Allele frequency attached by ClinVar (database versions not stated): gnomAD exomes 0.00007 and 0.00014; ExAC 0.00012; TOPMed 0.00014; 1000 Genomes Project 30x 0.00016; gnomAD 0.00016 and 0.00017.

Submissions (2):

Ambry Genetics
Classification: Uncertain significance for Inborn genetic diseases. Last evaluated: 2025-04-05. Review status: criteria provided, single submitter. Criteria: Ambry Variant Classification Scheme 2023. Collection method: clinical testing. Allele origin: germline.

Labcorp Genetics (formerly Invitae), Labcorp
Classification: Uncertain significance for Spondylocostal dysostosis 3, autosomal recessive. Last evaluated: 2022-08-31. Review status: criteria provided, single submitter. Criteria: Invitae Variant Classification Sherloc (09022015). Collection method: clinical testing. Allele origin: germline.
Comment: This sequence change replaces alanine, which is neutral and non-polar, with valine, which is neutral and non-polar, at codon 95 of the LFNG protein (p.Ala95Val). This variant is present in population databases (rs765904263, gnomAD 0.1%). This variant has not been reported in the literature in individuals affected with LFNG-related conditions. ClinVar contains an entry for this variant (Variation ID: 1425475). Algorithms developed to predict the effect of missense changes on protein structure and function output the following: SIFT: "Deleterious"; PolyPhen-2: "Benign"; Align-GVGD: "Class C0". The valine amino acid residue is found in multiple mammalian species, which suggests that this missense change does not adversely affect protein function. In summary, the available evidence is currently insufficient to determine the role of this variant in disease. Therefore, it has been classified as a Variant of Uncertain Significance.

NM_001040167.2(LFNG):c.284C>T (p.Ala95Val)

Gene: LFNG (LFNG O-fucosylpeptide 3-beta-N-acetylglucosaminyltransferase; plus strand). Cytogenetic location: 7p22.3.
Variant type: single nucleotide variant.
Coding change: c.284C>T on transcript NM_001040167.2 (MANE Select); coding-DNA position 284, C replaced by T.
Protein change: p.Ala95Val; replaces alanine 95 with valine.
Molecular consequence: missense variant. On other transcripts: intron variant (2).
Genome position (GRCh38, 1-based): chr7:2,520,145, C>T. VCF-style: chr7-2520145-C-T. GRCh37 (hg19) VCF-style: chr7-2559779-C-T.
Other names: c.284C>T (NM_001040167.1); c.284C>T, p.Ala95Val (NM_001040168.2); c.220-4550C>T (NM_001166355.2); c.45+1547C>T (NM_002304.3); short protein forms A95V.
Identifiers: ClinVar variation 1425475 (VCV001425475.4), dbSNP rs765904263, ClinGen allele CA4126897.
Genomic context (GRCh38, chr7:2,520,145, plus strand): 5'-CCGAGTACTTCAGCCTGCTCACCCGCGCGCGCAGAGATGCGGGCCCGCCGCCCGGGGCTG[C>T]CCCCCGCCCCGCCGACGGCCACCCGCGCCCCCTGGCCGAGCCGCTCGCGCCCCGAGACGT-3'
Protein context (NP_001035257.1, residues 85-105): RRDAGPPPGA[Ala95Val]PRPADGHPRP